The following is an entry in ClinVar:

ClinVar aggregate classification (germline): Benign. Review status: criteria provided, multiple submitters, no conflicts (2 of 4 stars). 3 submissions from 3 submitters: Benign (2). 1 of the submissions does not count toward it. Last evaluated 2018-06-27.

Conditions:
MEI1-related disorder. Also called: MEI1-related condition.

Allele frequency attached by ClinVar (database versions not stated): gnomAD exomes 0.00008 and 0.00019; ExAC 0.00046; gnomAD 0.00082 and 0.00089; TOPMed 0.00091; 1000 Genomes Project 30x 0.00094; 1000 Genomes Project 0.00100; ESP Exome Variant Server 0.00122.

Submissions (3):

Labcorp Genetics (formerly Invitae), Labcorp
Classification: Benign. Last evaluated: 2018-06-27. Review status: criteria provided, single submitter. Criteria: Invitae Variant Classification Sherloc (09022015). Collection method: clinical testing. Allele origin: germline.

Breakthrough Genomics
Classification: Benign. Review status: criteria provided, single submitter. Criteria: ACMG Guidelines, 2015. Collection method: not provided. Allele origin: germline. Inheritance: Autosomal recessive inheritance. Affected: yes.

PreventionGenetics, part of Exact Sciences
Classification: Likely benign for MEI1-related condition. Last evaluated: 2019-08-09. Review status: no assertion criteria provided. Collection method: clinical testing. Allele origin: germline. Not counted in ClinVar's aggregate classification.
Comment: This variant is classified as likely benign based on ACMG/AMP sequence variant interpretation guidelines (Richards et al. 2015 PMID: 25741868, with internal and published modifications).

NM_152513.4(MEI1):c.393C>T (p.Ile131=)

Gene: MEI1 (meiotic double-stranded break formation protein 1; plus strand). Cytogenetic location: 22q13.2.
Variant type: single nucleotide variant.
Coding change: c.393C>T on transcript NM_152513.4 (MANE Select); coding-DNA position 393, C replaced by T.
Protein change: p.Ile131=; no amino-acid change (isoleucine 131 retained).
Molecular consequence: synonymous variant.
Genome position (GRCh38, 1-based): chr22:41,714,045, C>T. VCF-style: chr22-41714045-C-T. GRCh37 (hg19) VCF-style: chr22-42110049-C-T.
Identifiers: ClinVar variation 743001 (VCV000743001.6), dbSNP rs188195414, ClinGen allele CA10259849.